The following is an entry in ClinVar:

NM_024678.6(NARS2):c.595-13897_595-13879delinsA

Genes: NARS2 (asparaginyl-tRNA synthetase 2, mitochondrial; minus strand), NARS2-AS1 (NARS2 antisense RNA 1; plus strand). Cytogenetic location: 11q14.1.
Variant type: Indel.
Coding change: c.595-13897_595-13879delinsA on transcript NM_024678.6 (MANE Select); 13897 bases into the intron before coding-DNA position 595 through 13879 bases into the intron before coding-DNA position 595, TTGACCTCCTGAGCTCAAG replaced by A.
Molecular consequence: intron variant.
Genome position (GRCh38, 1-based): chr11:78,542,815-78,542,833, CTTGAGCTCAGGAGGTCAA replaced by T on the plus strand (TTGACCTCCTGAGCTCAAG replaced by A on the coding strand, the reverse complement: NARS2 is on the minus strand). VCF-style: chr11-78542815-CTTGAGCTCAGGAGGTCAA-T. GRCh37 (hg19) VCF-style: chr11-78253861-CTTGAGCTCAGGAGGTCAA-T.
Other names: c.-87-13897_-87-13879delinsA (NM_001425314.1, NM_001243251.2, NM_001425310.1 and 2 more transcripts); c.364-13897_364-13879delinsA (NM_001425308.1); c.514-13897_514-13879delinsA (NM_001425303.1, NM_001425302.1); c.594+16706_594+16724delinsA (NM_001425307.1); c.38+16706_38+16724delinsA (NM_001425311.1); c.595-13897_595-13879delinsA (NM_001425309.1, NM_001425306.1, NM_001425301.1 and 4 more transcripts).
Identifiers: ClinVar variation 4891132 (VCV004891132.1).

ClinVar aggregate classification (germline): Uncertain significance (1 of 4 stars; one submission).

Submission:

Greenwood Genetic Center Diagnostic Laboratories, Greenwood Genetic Center
Classification: Uncertain significance. Last evaluated: 2026-06-04. Review status: criteria provided, single submitter. Criteria: ACMG Guidelines, 2015. Collection method: clinical testing. Allele origin: germline.
Comment: BP4